The following is an entry in ClinVar:

NM_000069.3(CACNA1S):c.3398T>C (p.Ile1133Thr)

Gene: CACNA1S (calcium voltage-gated channel subunit alpha1 S; minus strand). Cytogenetic location: 1q32.1.
Variant type: single nucleotide variant.
Coding change: c.3398T>C on transcript NM_000069.3 (MANE Select); coding-DNA position 3398, T replaced by C.
Protein change: p.Ile1133Thr; replaces isoleucine 1133 with threonine.
Molecular consequence: missense variant.
Genome position (GRCh38, 1-based): chr1:201,060,674, A>G on the plus strand (T>C on the coding strand, the complement: CACNA1S is on the minus strand). VCF-style: chr1-201060674-A-G. GRCh37 (hg19) VCF-style: chr1-201029802-A-G.
Other names: short protein forms I1133T.
Identifiers: ClinVar variation 568153 (VCV000568153.10), dbSNP rs1558061864, ClinGen allele CA344160183.

ClinVar aggregate classification (germline): Uncertain significance. Review status: criteria provided, multiple submitters, no conflicts (2 of 4 stars). 3 submissions from 3 submitters: Uncertain significance (2). 1 of the submissions does not count toward it. Last evaluated 2023-05-15.

Conditions:
Malignant hyperthermia, susceptibility to, 5 (MHS5). Also called: CACNA1S-Related Malignant Hyperthermia Susceptibility. Identifiers: Orphanet 423, MedGen C1866077, MONDO:0011163, OMIM 601887.
Hypokalemic periodic paralysis, type 1. Also called: HypoPP; Hypokalemic Periodic Paralysis Type 1 (AD). Identifiers: Orphanet 681, MedGen C3714580, MONDO:0042979, OMIM 170400.

Allele frequency attached by ClinVar (database versions not stated): gnomAD 0.00001; TOPMed 0.00002.
gnomAD v4.1: 1 of 1,614,044 alleles (0.000062%); highest among the groups gnomAD compares: African/African-American, 0.0013%; no homozygotes.

Submissions (3):

All of Us Research Program, National Institutes of Health
Classification: Uncertain significance for Malignant hyperthermia, susceptibility to, 5. Last evaluated: 2023-05-15. Review status: criteria provided, single submitter. Criteria: ACMG Guidelines, 2015. Collection method: clinical testing. Allele origin: germline. Inheritance: Autosomal dominant inheritance. Observed: 1 variant allele, 1 heterozygote.
Comment: This missense variant replaces isoleucine with threonine at codon 1133 of the CACNA1S protein. Computational prediction suggests that this variant may have deleterious impact on protein structure and function (internally defined REVEL score threshold >= 0.7, PMID: 27666373). To our knowledge, functional studies have not been reported for this variant. This variant has not been reported in individuals affected with CACNA1S-related disorders in the literature. This variant has not been identified in the general population by the Genome Aggregation Database (gnomAD). The available evidence is insufficient to determine the role of this variant in disease conclusively. Therefore, this variant is classified as a Variant of Uncertain Significance.

This study involves interpretation of variants in research participants for the purpose of population health screening. Participant phenotype was not available at the time of variant classification. Additional details can be found in publication PMID: 35346344, PMCID: PMC8962531

Labcorp Genetics (formerly Invitae), Labcorp
Classification: Uncertain significance for Hypokalemic periodic paralysis, type 1; Malignant hyperthermia, susceptibility to, 5. Last evaluated: 2018-03-25. Review status: criteria provided, single submitter. Criteria: Invitae Variant Classification Sherloc (09022015). Collection method: clinical testing. Allele origin: germline.
Comment: This variant is not present in population databases (ExAC no frequency). This sequence change replaces isoleucine with threonine at codon 1133 of the CACNA1S protein (p.Ile1133Thr). The isoleucine residue is moderately conserved and there is a moderate physicochemical difference between isoleucine and threonine. This variant has not been reported in the literature in individuals with CACNA1S-related disease. Algorithms developed to predict the effect of missense changes on protein structure and function do not agree on the potential impact of this missense change (SIFT: "Deleterious"; PolyPhen-2: "Benign"; Align-GVGD: "Class C0"). In summary, the available evidence is currently insufficient to determine the role of this variant in disease. Therefore, it has been classified as a Variant of Uncertain Significance.

Gharavi Laboratory, Columbia University
Classification: Uncertain significance. Last evaluated: 2018-09-16. Review status: no assertion criteria provided. Criteria: ACMG Guidelines, 2015. Collection method: research. Allele origin: germline. Affected: yes. Not counted in ClinVar's aggregate classification.